The following is an entry in ClinVar:

NM_003924.4(PHOX2B):c.863G>C (p.Gly288Ala)

Gene: PHOX2B (paired like homeobox 2B; minus strand). Cytogenetic location: 4p13.
Variant type: single nucleotide variant.
Coding change: c.863G>C on transcript NM_003924.4 (MANE Select); coding-DNA position 863, G replaced by C.
Protein change: p.Gly288Ala; replaces glycine 288 with alanine.
Molecular consequence: missense variant.
Genome position (GRCh38, 1-based): chr4:41,745,889, C>G on the plus strand (G>C on the coding strand, the complement: PHOX2B is on the minus strand). VCF-style: chr4-41745889-C-G. GRCh37 (hg19) VCF-style: chr4-41747906-C-G.
Other names: short protein forms G288A.
Identifiers: ClinVar variation 3223603 (VCV003223603.1), dbSNP rs1467154345, ClinGen allele CA356736947.
Genomic context (GRCh38, chr4:41,745,889, plus strand): 5'-AAGGCGGCTTTGGCACCGTTGGGTCTTTGGAGCGAAGATAGGACGCTGGCGAAGGGACCC[C>G]CAAGCGAATCCGGGATGGAGGTGATGGGGCCGGGGCCGGGAGCCCAGCCTTGTCCAGGGC-3'
Protein context (NP_003915.2, residues 278-298): GPITSIPDSL[Gly288Ala]GPFASVLSSL

ClinVar aggregate classification (germline): Uncertain significance (1 of 4 stars; one submission).

Conditions:
Hereditary cancer-predisposing syndrome. Also called: Tumor predisposition; Hereditary neoplastic syndrome; Hereditary Cancer Syndrome; Neoplastic Syndromes, Hereditary. Identifiers: Orphanet 140162, MedGen C0027672, MeSH D009386, MONDO:0015356.

gnomAD v4.1: 1 of 1,608,362 alleles (0.000062%); highest among the groups gnomAD compares: Non-Finnish European, 0.000085%; no homozygotes.

Submission:

Ambry Genetics
Classification: Uncertain significance for Hereditary cancer-predisposing syndrome. Last evaluated: 2023-11-02. Review status: criteria provided, single submitter. Criteria: Ambry Variant Classification Scheme 2023. Collection method: clinical testing. Allele origin: germline.
Comment: The p.G288A variant (also known as c.863G>C), located in coding exon 3 of the PHOX2B gene, results from a G to C substitution at nucleotide position 863. The glycine at codon 288 is replaced by alanine, an amino acid with similar properties. This amino acid position is conserved. In addition, the in silico prediction for this alteration is inconclusive. Since supporting evidence is limited at this time, the clinical significance of this alteration remains unclear.